The following is an entry in ClinVar:

ClinVar aggregate classification (germline): Uncertain significance (1 of 4 stars; one submission).

gnomAD v4.1: 2 of 1,610,168 alleles (0.00012%); highest among the groups gnomAD compares: Non-Finnish European, 0.000085%; no homozygotes.

Submission:

Ambry Genetics
Classification: Uncertain significance. Last evaluated: 2024-12-29. Review status: criteria provided, single submitter. Criteria: Ambry Variant Classification Scheme 2023. Collection method: clinical testing. Allele origin: germline.
Comment: The p.I917V variant (also known as c.2749A>G), located in coding exon 8 of the CDK12 gene, results from an A to G substitution at nucleotide position 2749. The isoleucine at codon 917 is replaced by valine, an amino acid with highly similar properties. This amino acid position is conserved. In addition, this alteration is predicted to be tolerated by in silico analysis. Based on the available evidence, the clinical significance of this variant remains unclear.

NM_016507.4(CDK12):c.2749A>G (p.Ile917Val)

Gene: CDK12 (cyclin dependent kinase 12; plus strand). Cytogenetic location: 17q12.
Variant type: single nucleotide variant.
Coding change: c.2749A>G on transcript NM_016507.4 (MANE Select); coding-DNA position 2749, A replaced by G.
Protein change: p.Ile917Val; replaces isoleucine 917 with valine.
Molecular consequence: missense variant.
Genome position (GRCh38, 1-based): chr17:39,511,611, A>G. VCF-style: chr17-39511611-A-G. GRCh37 (hg19) VCF-style: chr17-37667864-A-G.
Other names: c.2749A>G, p.Ile917Val (NM_015083.4); short protein forms I917V.
Identifiers: ClinVar variation 3830425 (VCV003830425.1).
Genomic context (GRCh38, chr17:39,511,611, plus strand): 5'-ATTACTTTGTGGTACCGACCTCCAGAACTACTGCTAGGAGAGGAACGTTACACACCAGCC[A>G]TAGATGTTTGGAGCTGTGGGTAAGGTTCTGTTAACTTTTTCTTTTGTCTGTAACTTACAT-3'
Protein context (NP_057591.2, residues 907-927): LLGEERYTPA[Ile917Val]DVWSCGCILG